The following is an entry in ClinVar:

NM_000138.5(FBN1):c.4389C>A (p.Asn1463Lys)

Gene: FBN1 (fibrillin 1; minus strand). Cytogenetic location: 15q21.1.
Variant type: single nucleotide variant.
Coding change: c.4389C>A on transcript NM_000138.5 (MANE Select); coding-DNA position 4389, C replaced by A.
Protein change: p.Asn1463Lys; replaces asparagine 1463 with lysine.
Molecular consequence: missense variant.
Genome position (GRCh38, 1-based): chr15:48,470,704, G>T on the plus strand (C>A on the coding strand, the complement: FBN1 is on the minus strand). VCF-style: chr15-48470704-G-T. GRCh37 (hg19) VCF-style: chr15-48762901-G-T.
Other names: short protein forms N1463K.
Identifiers: ClinVar variation 549228 (VCV000549228.9), dbSNP rs1555397412, ClinGen allele CA392354568.

ClinVar aggregate classification (germline): Uncertain significance. Review status: criteria provided, single submitter (1 of 4 stars). 2 submissions from 2 submitters: Uncertain significance (1). 1 of the submissions does not count toward it. Last evaluated 2020-06-08.

Conditions:
Familial thoracic aortic aneurysm and aortic dissection (TAAD). Also called: Thoracic aortic aneurysms and dissections. Identifiers: Orphanet 91387, MedGen C4707243, MONDO:0019625.
Marfan syndrome (MFS). Also called: Marfan syndrome type 1; Marfan syndrome, classic; Marfan's syndrome; FBN1-Related Marfan Syndrome; MARFAN SYNDROME, TYPE I. Identifiers: Orphanet 284963, Orphanet 558, MedGen C0024796, MONDO:0007947, OMIM 154700.

Submissions (2):

Labcorp Genetics (formerly Invitae), Labcorp
Classification: Uncertain significance for Marfan syndrome; Familial thoracic aortic aneurysm and aortic dissection. Last evaluated: 2020-06-08. Review status: criteria provided, single submitter. Criteria: Invitae Variant Classification Sherloc (09022015). Collection method: clinical testing. Allele origin: germline.
Comment: This sequence change replaces asparagine with lysine at codon 1463 of the FBN1 protein (p.Asn1463Lys). The asparagine residue is highly conserved and there is a moderate physicochemical difference between asparagine and lysine. This variant is not present in population databases (ExAC no frequency). This variant has not been reported in the literature in individuals with FBN1-related conditions. ClinVar contains an entry for this variant (Variation ID: 549228). Algorithms developed to predict the effect of missense changes on protein structure and function (SIFT, PolyPhen-2, Align-GVGD) all suggest that this variant is likely to be disruptive, but these predictions have not been confirmed by published functional studies and their clinical significance is uncertain. In summary, the available evidence is currently insufficient to determine the role of this variant in disease. Therefore, it has been classified as a Variant of Uncertain Significance.

Center for Medical Genetics Ghent, University of Ghent
Classification: Uncertain significance for Marfan syndrome. Last evaluated: 2017-11-07. Review status: no assertion criteria provided. Collection method: clinical testing. Allele origin: germline. Affected: yes. Not counted in ClinVar's aggregate classification.